The following is an entry in ClinVar:

NM_000183.3(HADHB):c.65C>G (p.Ser22Cys)

Gene: HADHB (hydroxyacyl-CoA dehydrogenase trifunctional multienzyme complex subunit beta; plus strand). Cytogenetic location: 2p23.3.
Variant type: single nucleotide variant.
Coding change: c.65C>G on transcript NM_000183.3 (MANE Select); coding-DNA position 65, C replaced by G.
Protein change: p.Ser22Cys; replaces serine 22 with cysteine.
Molecular consequence: missense variant. On other transcripts: 5 prime UTR variant (1).
Genome position (GRCh38, 1-based): chr2:26,254,430, C>G. VCF-style: chr2-26254430-C-G. GRCh37 (hg19) VCF-style: chr2-26477298-C-G.
Other names: c.65C>G, p.Ser22Cys (NM_001281512.2); c.-85C>G (NM_001281513.2); short protein forms S22C.
Identifiers: ClinVar variation 1018457 (VCV001018457.6), dbSNP rs1671530038, ClinGen allele CA346101339.

ClinVar aggregate classification (germline): Uncertain significance (1 of 4 stars; one submission).

Conditions:
Mitochondrial trifunctional protein deficiency. Identifiers: Orphanet 746, MedGen C1969443, MONDO:0012172.

Allele frequency attached by ClinVar (database versions not stated): TOPMed below 0.00001.
gnomAD v4.1: 1 of 1,602,230 alleles (0.000062%); no homozygotes.

Submission:

Labcorp Genetics (formerly Invitae), Labcorp
Classification: Uncertain significance for Mitochondrial trifunctional protein deficiency. Last evaluated: 2021-09-02. Review status: criteria provided, single submitter. Criteria: Invitae Variant Classification Sherloc (09022015). Collection method: clinical testing. Allele origin: germline.
Comment: This sequence change replaces serine with cysteine at codon 22 of the HADHB protein (p.Ser22Cys). The serine residue is weakly conserved and there is a moderate physicochemical difference between serine and cysteine. This variant is not present in population databases (ExAC no frequency). This variant has not been reported in the literature in individuals affected with HADHB-related conditions. Algorithms developed to predict the effect of missense changes on protein structure and function output the following: SIFT: "Tolerated"; PolyPhen-2: "Benign"; Align-GVGD: "Class C0". The cysteine amino acid residue is found in multiple mammalian species, which suggests that this missense change does not adversely affect protein function. In summary, the available evidence is currently insufficient to determine the role of this variant in disease. Therefore, it has been classified as a Variant of Uncertain Significance.